The following is an entry in ClinVar:

NM_001267550.2(TTN):c.35004A>G (p.Leu11668=)

Gene: TTN (titin; minus strand). Cytogenetic location: 2q31.2.
Variant type: single nucleotide variant.
Coding change: c.35004A>G on transcript NM_001267550.2 (MANE Select); coding-DNA position 35004, A replaced by G.
Protein change: p.Leu11668=; no amino-acid change (leucine 11668 retained).
Molecular consequence: synonymous variant. On other transcripts: intron variant (3).
Genome position (GRCh38, 1-based): chr2:178,672,194, T>C on the plus strand (A>G on the coding strand, the complement: TTN is on the minus strand). VCF-style: chr2-178672194-T-C. GRCh37 (hg19) VCF-style: chr2-179536921-T-C.
Other names: c.33882A>G, p.Leu11294= (NM_001256850.1); c.31101A>G, p.Leu10367= (NM_133378.4); c.13283-29877A>G (NM_003319.4); c.13859-29877A>G (NM_133437.4); c.13658-29877A>G (NM_133432.3).
Identifiers: ClinVar variation 4986236 (VCV004986236.1).

ClinVar aggregate classification (germline): Likely benign (1 of 4 stars; one submission).

Conditions:
TTN-related disorder. Also called: TTN-related disorders; TTN-related condition; TTN-related disease.

gnomAD v4.1: 5 of 1,570,882 alleles (0.00032%); highest among the groups gnomAD compares: African/African-American, 0.0041%; no homozygotes.

Submission:

PreventionGenetics, part of Exact Sciences
Classification: Likely benign for TTN-related condition. Last evaluated: 2026-05-19. Review status: criteria provided, single submitter. Criteria: ACMG Guidelines, 2015. Collection method: clinical testing. Allele origin: germline.
Comment: This variant is classified as likely benign based on ACMG/AMP sequence variant interpretation guidelines (Richards et al. 2015 PMID: 25741868, with internal and published modifications).